The following is an entry in ClinVar:

NM_001042492.3(NF1):c.4084C>G (p.Arg1362Gly)

Gene: NF1 (neurofibromin 1; plus strand). Cytogenetic location: 17q11.2.
Variant type: single nucleotide variant.
Coding change: c.4084C>G on transcript NM_001042492.3 (MANE Select); coding-DNA position 4084, C replaced by G.
Protein change: p.Arg1362Gly; replaces arginine 1362 with glycine.
Molecular consequence: missense variant.
Genome position (GRCh38, 1-based): chr17:31,249,093, C>G. VCF-style: chr17-31249093-C-G. GRCh37 (hg19) VCF-style: chr17-29576111-C-G.
Other names: c.4084C>G, p.Arg1362Gly (NM_000267.4); short protein forms R1362G.
Identifiers: ClinVar variation 2762236 (VCV002762236.3), dbSNP rs137854560, ClinGen allele CA398995050.

ClinVar aggregate classification (germline): Uncertain significance (1 of 4 stars; one submission).

Conditions:
Neurofibromatosis, type 1 (NF1). Also called: VON RECKLINGHAUSEN DISEASE; Neurofibromatosis, type I; NEUROFIBROMATOSIS, TYPE I, SOMATIC; Peripheral type neurofibromatosis. Identifiers: Orphanet 636, MedGen C0027831, MONDO:0018975, OMIM 162200. Disease mechanism: loss of function.

Submission:

Labcorp Genetics (formerly Invitae), Labcorp
Classification: Uncertain significance for Neurofibromatosis, type 1. Last evaluated: 2025-03-15. Review status: criteria provided, single submitter. Criteria: Invitae Variant Classification Sherloc (09022015). Collection method: clinical testing. Allele origin: germline.
Comment: This sequence change replaces arginine, which is basic and polar, with glycine, which is neutral and non-polar, at codon 1362 of the NF1 protein (p.Arg1362Gly). This variant is not present in population databases (gnomAD no frequency). This variant has not been reported in the literature in individuals affected with NF1-related conditions. ClinVar contains an entry for this variant (Variation ID: 2762236). Invitae Evidence Modeling of protein sequence and biophysical properties (such as structural, functional, and spatial information, amino acid conservation, physicochemical variation, residue mobility, and thermodynamic stability) indicates that this missense variant is expected to disrupt NF1 protein function with a positive predictive value of 95%. In summary, the available evidence is currently insufficient to determine the role of this variant in disease. Therefore, it has been classified as a Variant of Uncertain Significance.